The following is an entry in ClinVar:

NM_001001557.4(GDF6):c.1302C>T (p.Asp434=)

Gene: GDF6 (growth differentiation factor 6; minus strand). Cytogenetic location: 8q22.1.
Variant type: single nucleotide variant.
Coding change: c.1302C>T on transcript NM_001001557.4 (MANE Select); coding-DNA position 1302, C replaced by T.
Protein change: p.Asp434=; no amino-acid change (aspartic acid 434 retained).
Molecular consequence: synonymous variant.
Genome position (GRCh38, 1-based): chr8:96,144,629, G>A on the plus strand (C>T on the coding strand, the complement: GDF6 is on the minus strand). VCF-style: chr8-96144629-G-A. GRCh37 (hg19) VCF-style: chr8-97156857-G-A.
Other names: c.1302C>T (NM_001001557.3).
Identifiers: ClinVar variation 1087876 (VCV001087876.12), dbSNP rs138730867, ClinGen allele CA4815343.

ClinVar aggregate classification (germline): Likely benign. Review status: criteria provided, multiple submitters, no conflicts (2 of 4 stars). 3 submissions from 3 submitters: Likely benign (2). 1 of the submissions does not count toward it. Last evaluated 2025-06-09.

Conditions:
Microphthalmia, isolated, with coloboma 6 (MCOPCB6). Also called: MICROPHTHALMIA/COLOBOMA 6; Microphthalmia with coloboma 6, digenic; Microphthalmia with coloboma 6. Identifiers: Orphanet 98938, MedGen C3150968, MONDO:0013376, OMIM 613703.
Leber congenital amaurosis 17 (LCA17). Identifiers: Orphanet 65, MedGen C3715164, MONDO:0014145, OMIM 615360.
Klippel-Feil syndrome 1, autosomal dominant (KFS1). Also called: CERVICAL VERTEBRAL FUSION, AUTOSOMAL DOMINANT. Identifiers: Orphanet 2345, MedGen C1861689, MONDO:0007306, OMIM 118100.
Isolated microphthalmia 4. Identifiers: Orphanet 2542, MedGen C2751307, MONDO:0013130, OMIM 613094.
GDF6-related disorder. Also called: GDF6-related condition.

Allele frequency attached by ClinVar (database versions not stated): gnomAD exomes below 0.00001 and 0.00011; ExAC 0.00001; gnomAD 0.00002 and 0.00003; TOPMed 0.00002; 1000 Genomes Project 30x 0.00016; 1000 Genomes Project 0.00020.
gnomAD v4.1: 158 of 1,614,068 alleles (0.0098%); highest among the groups gnomAD compares: East Asian, 0.28%; no homozygotes.

Submissions (3):

Labcorp Genetics (formerly Invitae), Labcorp
Classification: Likely benign for Isolated microphthalmia 4; Leber congenital amaurosis 17; Klippel-Feil syndrome 1, autosomal dominant; Microphthalmia, isolated, with coloboma 6. Last evaluated: 2025-06-09. Review status: criteria provided, single submitter. Criteria: Invitae Variant Classification Sherloc (09022015). Collection method: clinical testing. Allele origin: germline.

Blueprint Genetics
Classification: Likely benign. Last evaluated: 2019-11-19. Review status: criteria provided, single submitter. Criteria: ACMG Guidelines, 2015. Collection method: clinical testing. Allele origin: germline.

PreventionGenetics, part of Exact Sciences
Classification: Likely benign for GDF6-related condition. Last evaluated: 2019-07-17. Review status: no assertion criteria provided. Collection method: clinical testing. Allele origin: germline. Not counted in ClinVar's aggregate classification.
Comment: This variant is classified as likely benign based on ACMG/AMP sequence variant interpretation guidelines (Richards et al. 2015 PMID: 25741868, with internal and published modifications).